The following is an entry in ClinVar:

NM_001083962.2(TCF4):c.1136dup (p.Leu379fs)

Gene: TCF4 (transcription factor 4; minus strand). Cytogenetic location: 18q21.2.
Variant type: Duplication.
Coding change: c.1136dup on transcript NM_001083962.2 (MANE Select); coding-DNA position 1136, one base duplicated (T; older notation c.1136dupT).
Protein change: p.Leu379fs; shifts the reading frame from leucine 379.
Molecular consequence: frameshift variant.
Genome position (GRCh38, 1-based): chr18:55,257,325, A duplicated on the plus strand (T on the coding strand, the reverse complement: TCF4 is on the minus strand); the first of 2 consecutive A bases (chr18:55,257,325-55,257,326); duplicating either gives the same sequence. VCF-style (leftmost placement, unchanged base first): chr18-55257324-T-TA. GRCh37 (hg19) VCF-style: chr18-52924555-T-TA.
Other names: c.1154dup, p.Leu385fs (NM_001243228.2); c.1127dup, p.Leu376fs (NM_001243230.2); c.1010dup, p.Leu337fs (NM_001243231.2, NM_001348211.2); c.923dup, p.Leu308fs (NM_001243232.1, NM_001306208.1); c.746dup, p.Leu249fs (NM_001243233.2, NM_001330605.3, NM_001348212.2 and 1 more transcripts); c.656dup, p.Leu219fs (NM_001243234.2, NM_001243235.2, NM_001243236.2 and 1 more transcripts); c.1064dup, p.Leu355fs (NM_001306207.1, NM_001348217.1, NM_001348218.2 and 5 more transcripts); c.1133dup, p.Leu378fs (NM_001330604.3, NM_001369569.1, NM_001369570.1 and 2 more transcripts); and 6 more; short protein forms L163fs, L218fs, L249fs, L354fs, L376fs, L379fs, L481fs, L337fs.
Identifiers: ClinVar variation 375631 (VCV000375631.2), dbSNP rs1057519592, ClinGen allele CA16044402.

ClinVar aggregate classification (germline): Likely pathogenic (1 of 4 stars; one submission).

Conditions:
Pitt-Hopkins syndrome (PTHS). Also called: MENTAL RETARDATION, SYNDROMAL, WITH INTERMITTENT HYPERVENTILATION; ENCEPHALOPATHY, SEVERE EPILEPTIC, WITH AUTONOMIC DYSFUNCTION. Identifiers: Orphanet 2896, MedGen C1970431, MONDO:0012589, OMIM 610954.

Submission:

Center of Genomic medicine, Geneva, University Hospital of Geneva
Classification: Likely pathogenic for Pitt-Hopkins syndrome. Last evaluated: 2015-10-23. Review status: criteria provided, single submitter. Criteria: ACMG Guidelines, 2015. Collection method: clinical testing. Allele origin: de novo. Affected: yes.
Comment: This present variant, which is predicted to generate a truncated non-functional TCF4 protein, has not yet been reported, but it is widely accepted that loss of function mutations in the TCF4 gene cause Pitt-Hopkins syndrome.

Literature cited by the submitters: PubMed 22777675.